The following is an entry in ClinVar:

ClinVar aggregate classification (germline): Uncertain significance (1 of 4 stars; one submission).

Submission:

GeneDx
Classification: Uncertain significance. Last evaluated: 2025-03-11. Review status: criteria provided, single submitter. Criteria: GeneDx Variant Classification Process June 2021. Collection method: clinical testing. Allele origin: germline. Affected: yes.
Comment: Not observed at significant frequency in large population cohorts (gnomAD); In silico analysis supports that this missense variant has a deleterious effect on protein structure/function; Has not been previously published as pathogenic or benign to our knowledge

NM_003108.4(SOX11):c.140G>C (p.Gly47Ala)

Gene: SOX11 (SRY-box transcription factor 11; plus strand). Cytogenetic location: 2p25.2.
Variant type: single nucleotide variant.
Coding change: c.140G>C on transcript NM_003108.4 (MANE Select); coding-DNA position 140, G replaced by C.
Protein change: p.Gly47Ala; replaces glycine 47 with alanine.
Molecular consequence: missense variant.
Genome position (GRCh38, 1-based): chr2:5,692,861, G>C. VCF-style: chr2-5692861-G-C. GRCh37 (hg19) VCF-style: chr2-5832993-G-C.
Other names: short protein forms G47A.
Identifiers: ClinVar variation 4083120 (VCV004083120.1).